The following is an entry in ClinVar:

ClinVar aggregate classification (germline): Uncertain significance (1 of 4 stars; one submission).

Allele frequency attached by ClinVar (database versions not stated): ExAC below 0.00001; gnomAD exomes 0.00016; TOPMed 0.00024; 1000 Genomes Project 30x 0.00078; 1000 Genomes Project 0.00100.
gnomAD v4.1: 213 of 1,529,502 alleles (0.014%); highest among the groups gnomAD compares: East Asian, 0.21%; no homozygotes.

Submission:

Labcorp Genetics (formerly Invitae), Labcorp
Classification: Uncertain significance. Last evaluated: 2025-01-15. Review status: criteria provided, single submitter. Criteria: Invitae Variant Classification Sherloc (09022015). Collection method: clinical testing. Allele origin: germline.
Comment: This sequence change replaces arginine, which is basic and polar, with glutamine, which is neutral and polar, at codon 765 of the ARMC9 protein (p.Arg765Gln). This variant is present in population databases (rs187227205, gnomAD 0.2%). This variant has not been reported in the literature in individuals affected with ARMC9-related conditions. ClinVar contains an entry for this variant (Variation ID: 1038326). Experimental studies and prediction algorithms are not available or were not evaluated, and the functional significance of this variant is currently unknown. In summary, the available evidence is currently insufficient to determine the role of this variant in disease. Therefore, it has been classified as a Variant of Uncertain Significance.

NM_001352754.2(ARMC9):c.2294G>A (p.Arg765Gln)

Gene: ARMC9 (armadillo repeat containing 9; plus strand). Cytogenetic location: 2q37.1.
Variant type: single nucleotide variant.
Coding change: c.2294G>A on transcript NM_001352754.2 (MANE Select); coding-DNA position 2294, G replaced by A.
Protein change: p.Arg765Gln; replaces arginine 765 with glutamine.
Molecular consequence: missense variant.
Genome position (GRCh38, 1-based): chr2:231,369,985, G>A. VCF-style: chr2-231369985-G-A. GRCh37 (hg19) VCF-style: chr2-232234696-G-A.
Other names: c.2294G>A, p.Arg765Gln (NM_001271466.4); short protein forms R765Q.
Identifiers: ClinVar variation 1038326 (VCV001038326.5), dbSNP rs187227205, ClinGen allele CA2160601.
Genomic context (GRCh38, chr2:231,369,985, plus strand): 5'-GGACTCCAGGTTGCACGTTTTGTTCTAGGGAATGTGCATCAGCCTTCACCTGCAAGCCCC[G>A]GGCCCCCTGCACTCCAGAGATGCTGGACTGGAACCCACCCAAGGCAAAGGCGTCAGTTCT-3'
Protein context (NP_001339683.2, residues 755-775): ECASAFTCKP[Arg765Gln]APCTPEMLDW